The following is an entry in ClinVar:

NM_001276270.2(MBD4):c.749G>T (p.Cys250Phe)

Gene: MBD4 (methyl-CpG binding domain 4, DNA glycosylase; minus strand). Cytogenetic location: 3q21.3.
Variant type: single nucleotide variant.
Coding change: c.749G>T on transcript NM_001276270.2 (MANE Select); coding-DNA position 749, G replaced by T.
Protein change: p.Cys250Phe; replaces cysteine 250 with phenylalanine.
Molecular consequence: missense variant. On other transcripts: intron variant (1).
Genome position (GRCh38, 1-based): chr3:129,436,895, C>A on the plus strand (G>T on the coding strand, the complement: MBD4 is on the minus strand). VCF-style: chr3-129436895-C-A. GRCh37 (hg19) VCF-style: chr3-129155738-C-A.
Other names: c.749G>T, p.Cys250Phe (NM_001276271.2, NM_001276272.2, NM_003925.3); c.247+913G>T (NM_001276273.2); short protein forms C250F.
Identifiers: ClinVar variation 3723708 (VCV003723708.2).

ClinVar aggregate classification (germline): Uncertain significance (1 of 4 stars; one submission).

Submission:

Labcorp Genetics (formerly Invitae), Labcorp
Classification: Uncertain significance. Last evaluated: 2024-10-24. Review status: criteria provided, single submitter. Criteria: Invitae Variant Classification Sherloc (09022015). Collection method: clinical testing. Allele origin: germline.
Comment: This sequence change replaces cysteine, which is neutral and slightly polar, with phenylalanine, which is neutral and non-polar, at codon 250 of the MBD4 protein (p.Cys250Phe). This variant is not present in population databases (gnomAD no frequency). This variant has not been reported in the literature in individuals affected with MBD4-related conditions. An algorithm developed to predict the effect of missense changes on protein structure and function outputs the following: PolyPhen-2: "Benign". The phenylalanine amino acid residue is found in multiple mammalian species, which suggests that this missense change does not adversely affect protein function. In summary, the available evidence is currently insufficient to determine the role of this variant in disease. Therefore, it has been classified as a Variant of Uncertain Significance.